The following is an entry in ClinVar:

ClinVar aggregate classification (germline): Pathogenic. Review status: criteria provided, multiple submitters, no conflicts (2 of 4 stars). 5 submissions from 5 submitters: Pathogenic (5). Last evaluated 2026-01-12.

Conditions:
Congenital myasthenic syndrome (CMS). Also called: Congenital Myasthenic Syndromes. Identifiers: Orphanet 590, MedGen C0751882, MeSH D020294, MONDO:0018940.
Congenital myasthenic syndrome 4A. Also called: MYASTHENIC SYNDROME, CONGENITAL, 4A, SLOW-CHANNEL, AUTOSOMAL RECESSIVE; CONGENITAL MYASTHENIC SYNDROME TYPE Ia1; Myasthenic syndrome, congenital, 4a, slow-channel. Identifiers: Orphanet 590, MedGen C4225413, MONDO:0011600, OMIM 605809.
Congenital myasthenic syndrome 4C (CMS4C). Also called: Myasthenic syndrome, congenital, associated with acetylcholine receptor deficiency. Identifiers: Orphanet 590, MedGen C1837091, MONDO:0012157, OMIM 608931.
Congenital myasthenic syndrome 4B. Also called: Myasthenic syndrome, congenital, 4b, fast-channel. Identifiers: Orphanet 590, MedGen C4225369, MONDO:0014586, OMIM 616324.

Allele frequency attached by ClinVar (database versions not stated): gnomAD exomes 0.00001 and 0.00002; TOPMed 0.00001; ExAC 0.00002; gnomAD 0.00002.
gnomAD v4.1: 13 of 1,613,942 alleles (0.00081%); highest among the groups gnomAD compares: African/African-American, 0.0013%; no homozygotes.

Submissions (5):

Labcorp Genetics (formerly Invitae), Labcorp
Classification: Pathogenic for Congenital myasthenic syndrome 4A. Last evaluated: 2026-01-12. Review status: criteria provided, single submitter. Criteria: Invitae Variant Classification Sherloc (09022015). Collection method: clinical testing. Allele origin: germline.
Comment: This sequence change affects an acceptor splice site in intron 7 of the CHRNE gene. It is expected to disrupt RNA splicing. Variants that disrupt the donor or acceptor splice site typically lead to a loss of protein function (PMID: 16199547), and loss-of-function variants in CHRNE are known to be pathogenic (PMID: 22678886). This variant is present in population databases (no rsID available, gnomAD 0.004%). Disruption of this splice site has been observed in individual(s) with autosomal recessive congenital myasthenic syndrome (PMID: 12536367, 28464723). In at least one individual the data is consistent with being in trans (on the opposite chromosome) from a pathogenic variant. It has also been observed to segregate with disease in related individuals. This variant is also known as IVS7-2A/G. ClinVar contains an entry for this variant (Variation ID: 863073). Algorithms developed to predict the effect of sequence changes on RNA splicing suggest that this variant may disrupt the consensus splice site. For these reasons, this variant has been classified as Pathogenic.

Natera, Inc.
Classification: Pathogenic for Congenital myasthenic syndrome. Last evaluated: 2025-07-22. Review status: criteria provided, single submitter. Criteria: Natera Variant Classification Schema (03/2026). Collection method: clinical testing. Allele origin: germline.
Comment: The c.803-2A>G variant in CHRNE is a canonical splice acceptor site variant predicted to affect pre-mRNA splicing, which may result in an abnormal transcript and altered protein product. This variant is expected to result in nonsense mediated decay, truncation, or a dysfunctional protein product. This variant is rare in the general population with a frequency below the threshold expected for the associated phenotype(s). This variant has been observed in one or more individuals affected with the associated recessive disease, as either homozygous or compound heterozygous with a second variant (PMID: 12536367). Additionally, this variant has been observed to segregate in affected family members (PMID: 29383513). Functional studies show that this variant may disrupt protein function (PMID: 16061559). Given the available evidence, this variant is classified as Pathogenic.

Fulgent Genetics
Classification: Pathogenic for Congenital myasthenic syndrome 4A; Congenital myasthenic syndrome 4C; Congenital myasthenic syndrome 4B. Last evaluated: 2024-04-28. Review status: criteria provided, single submitter. Criteria: ACMG Guidelines, 2015. Collection method: clinical testing. Allele origin: germline.

CeGaT Center for Human Genetics Tuebingen
Classification: Pathogenic. Last evaluated: 2024-04-01. Review status: criteria provided, single submitter. Criteria: CeGaT Center For Human Genetics Tuebingen Variant Classification Criteria Version 2. Collection method: clinical testing. Allele origin: germline. Affected: yes. Observed: 1 variant allele.
Comment: CHRNE: PVS1, PM2, PM3

Baylor Genetics
Classification: Pathogenic for Congenital myasthenic syndrome 4A. Last evaluated: 2024-01-05. Review status: criteria provided, single submitter. Criteria: ACMG Guidelines, 2015. Collection method: clinical testing. Allele origin: unknown.

Literature cited by the submitters: PubMed 16199547 (cited by Labcorp Genetics (formerly Invitae), Labcorp); PubMed 22678886 (cited by Labcorp Genetics (formerly Invitae), Labcorp); PubMed 12536367 (cited by Labcorp Genetics (formerly Invitae), Labcorp and Natera, Inc.); PubMed 28464723 (cited by Labcorp Genetics (formerly Invitae), Labcorp); PubMed 29383513 (cited by Natera, Inc.); PubMed 16061559 (cited by Natera, Inc.).

NM_000080.4(CHRNE):c.803-2A>G

Genes: C17orf107 (chromosome 17 open reading frame 107; plus strand), CHRNE (cholinergic receptor nicotinic epsilon subunit; minus strand). Cytogenetic location: 17p13.2.
Variant type: single nucleotide variant.
Coding change: c.803-2A>G on transcript NM_000080.4 (MANE Select); the canonical splice acceptor site of the intron before coding-DNA position 803, A replaced by G.
Molecular consequence: splice acceptor variant. On other transcripts: 3 prime UTR variant (1).
Genome position (GRCh38, 1-based): chr17:4,900,909, T>C on the plus strand (A>G on the coding strand, the complement: CHRNE is on the minus strand). VCF-style: chr17-4900909-T-C. GRCh37 (hg19) VCF-style: chr17-4804204-T-C.
Other names: c.*376T>C (NM_001145536.2).
Identifiers: ClinVar variation 863073 (VCV000863073.36), dbSNP rs1320610655, ClinGen allele CA8314240.